The following is an entry in ClinVar:

ClinVar aggregate classification (germline): Uncertain significance (1 of 4 stars; one submission).

Conditions:
Spastic paraplegia. Identifiers: MedGen C0037772, HP:0001258.

Submission:

Labcorp Genetics (formerly Invitae), Labcorp
Classification: Uncertain significance for Spastic paraplegia. Last evaluated: 2024-10-05. Review status: criteria provided, single submitter. Criteria: Invitae Variant Classification Sherloc (09022015). Collection method: clinical testing. Allele origin: germline.
Comment: This sequence change replaces valine, which is neutral and non-polar, with methionine, which is neutral and non-polar, at codon 1127 of the ZFYVE26 protein (p.Val1127Met). This variant is not present in population databases (gnomAD no frequency). This variant has not been reported in the literature in individuals affected with ZFYVE26-related conditions. An algorithm developed to predict the effect of missense changes on protein structure and function (PolyPhen-2) suggests that this variant is likely to be disruptive. In summary, the available evidence is currently insufficient to determine the role of this variant in disease. Therefore, it has been classified as a Variant of Uncertain Significance.

NM_015346.4(ZFYVE26):c.3379G>A (p.Val1127Met)

Gene: ZFYVE26 (zinc finger FYVE-type containing 26; minus strand). Cytogenetic location: 14q24.1.
Variant type: single nucleotide variant.
Coding change: c.3379G>A on transcript NM_015346.4 (MANE Select); coding-DNA position 3379, G replaced by A.
Protein change: p.Val1127Met; replaces valine 1127 with methionine.
Molecular consequence: missense variant.
Genome position (GRCh38, 1-based): chr14:67,785,203, C>T on the plus strand (G>A on the coding strand, the complement: ZFYVE26 is on the minus strand). VCF-style: chr14-67785203-C-T. GRCh37 (hg19) VCF-style: chr14-68251920-C-T.
Other names: short protein forms V1127M.
Identifiers: ClinVar variation 3711838 (VCV003711838.2).